The following is an entry in ClinVar:

NM_014797.3(ZBTB24):c.818A>G (p.Gln273Arg)

Gene: ZBTB24 (zinc finger and BTB domain containing 24; minus strand). Cytogenetic location: 6q21.
Variant type: single nucleotide variant.
Coding change: c.818A>G on transcript NM_014797.3 (MANE Select); coding-DNA position 818, A replaced by G.
Protein change: p.Gln273Arg; replaces glutamine 273 with arginine.
Molecular consequence: missense variant.
Genome position (GRCh38, 1-based): chr6:109,481,209, T>C on the plus strand (A>G on the coding strand, the complement: ZBTB24 is on the minus strand). VCF-style: chr6-109481209-T-C. GRCh37 (hg19) VCF-style: chr6-109802412-T-C.
Other names: c.818A>G, p.Gln273Arg (NM_001164313.2); short protein forms Q273R.
Identifiers: ClinVar variation 941962 (VCV000941962.6), dbSNP rs764851596, ClinGen allele CA3954279.

ClinVar aggregate classification (germline): Uncertain significance. Review status: criteria provided, multiple submitters, no conflicts (2 of 4 stars). 2 submissions from 2 submitters: Uncertain significance (2). Last evaluated 2024-09-05.

Conditions:
Immunodeficiency-centromeric instability-facial anomalies syndrome 2 (ICF2). Identifiers: Orphanet 2268, MedGen C3279748, MONDO:0013553, OMIM 614069.
Inborn genetic diseases. Identifiers: MedGen C0950123, MeSH D030342.

Allele frequency attached by ClinVar (database versions not stated): TOPMed 0.00003; gnomAD 0.00002; ExAC 0.00003.
gnomAD v4.1: 22 of 1,614,094 alleles (0.0014%); highest among the groups gnomAD compares: Admixed American, 0.027%; no homozygotes.

Submissions (2):

Labcorp Genetics (formerly Invitae), Labcorp
Classification: Uncertain significance for Immunodeficiency-centromeric instability-facial anomalies syndrome 2. Last evaluated: 2024-09-05. Review status: criteria provided, single submitter. Criteria: Invitae Variant Classification Sherloc (09022015). Collection method: clinical testing. Allele origin: germline.
Comment: This sequence change replaces glutamine, which is neutral and polar, with arginine, which is basic and polar, at codon 273 of the ZBTB24 protein (p.Gln273Arg). This variant is present in population databases (rs764851596, gnomAD 0.04%). This variant has not been reported in the literature in individuals affected with ZBTB24-related conditions. ClinVar contains an entry for this variant (Variation ID: 941962). An algorithm developed to predict the effect of missense changes on protein structure and function (PolyPhen-2) suggests that this variant¬†is likely to be tolerated. In summary, the available evidence is currently insufficient to determine the role of this variant in disease. Therefore, it has been classified as a Variant of Uncertain Significance.

Ambry Genetics
Classification: Uncertain significance for Inborn genetic diseases. Last evaluated: 2021-08-10. Review status: criteria provided, single submitter. Criteria: Ambry Variant Classification Scheme 2023. Collection method: clinical testing. Allele origin: germline.